The following is an entry in ClinVar:

ClinVar aggregate classification (germline): Pathogenic (1 of 4 stars; one submission).

Conditions:
Peutz-Jeghers syndrome (PJS). Also called: POLYPOSIS, HAMARTOMATOUS INTESTINAL; POLYPS-AND-SPOTS SYNDROME; Peutz-Jeghers polyposis; Periorificial lentiginosis syndrome. Identifiers: Orphanet 2869, MedGen C0031269, MeSH D010580, MONDO:0008280, OMIM 175200.

Submission:

Labcorp Genetics (formerly Invitae), Labcorp
Classification: Pathogenic for Peutz-Jeghers syndrome. Last evaluated: 2017-10-01. Review status: criteria provided, single submitter. Criteria: Invitae Variant Classification Sherloc (09022015). Collection method: clinical testing. Allele origin: germline.
Comment: This variant is an in-frame deletion of the genomic region encompassing exons 2-5 of the STK11 gene. It preserves the integrity of the reading frame. For these reasons, this variant has been classified as Pathogenic. A similar deletion of exons 2-5 of the STK11 gene was reported in a family affected with Peutz-Jeghers syndrome (PJS) (PMID: 27821076). Smaller in-frame deletions of exons 2-3 have been reported in many individuals and families affected with PJS (PMID: 20435009, 20623358, 16287113, 22775437, 25841653, 21118512). These deletions may represent one of the most common copy number variations reported in individuals with PJS worldwide, suggesting that loss of this region is deleterious for the structure and/or function of the STK11 protein (PMID: 25841653).

Literature cited by the submitters: PubMed 27821076; PubMed 20435009; PubMed 20623358; PubMed 16287113; PubMed 22775437; PubMed 25841653; PubMed 21118512.

NC_000019.10:g.(?_1218411)_(1220723_?)del

Genes: STK11 (serine/threonine kinase 11; plus strand), LOC110006318 (serine/threonine kinase 11 intron 3 Alu-mediated recombination region; plus strand). Cytogenetic location: 19p13.3.
Variant type: Deletion.
Identifiers: ClinVar variation 527861 (VCV000527861.7).